The following is an entry in ClinVar:

NM_001365951.3(KIF1B):c.5322C>G (p.His1774Gln)

Gene: KIF1B (kinesin family member 1B; plus strand). Cytogenetic location: 1p36.22.
Variant type: single nucleotide variant.
Coding change: c.5322C>G on transcript NM_001365951.3 (MANE Select); coding-DNA position 5322, C replaced by G.
Protein change: p.His1774Gln; replaces histidine 1774 with glutamine.
Molecular consequence: missense variant.
Genome position (GRCh38, 1-based): chr1:10,375,287, C>G. VCF-style: chr1-10375287-C-G. GRCh37 (hg19) VCF-style: chr1-10435345-C-G.
Other names: c.5322C>G, p.His1774Gln (NM_001365952.1); c.5184C>G, p.His1728Gln (NM_015074.3); short protein forms H1728Q, H1774Q.
Identifiers: ClinVar variation 959624 (VCV000959624.14), dbSNP rs1638851135, ClinGen allele CA338331768.

ClinVar aggregate classification (germline): Uncertain significance. Review status: criteria provided, multiple submitters, no conflicts (2 of 4 stars). 3 submissions from 3 submitters: Uncertain significance (3). Last evaluated 2025-06-17.

Conditions:
Charcot-Marie-Tooth disease type 2. Also called: Charcot-Marie-Tooth type 2. Identifiers: Orphanet 64746, MedGen C0270914, MONDO:0018993.
Neuroblastoma, susceptibility to, 1. Identifiers: MedGen C2749485, MONDO:0009741, OMIM 256700.

Allele frequency attached by ClinVar (database versions not stated): gnomAD exomes below 0.00001.
gnomAD v4.1: 1 of 1,614,216 alleles (0.000062%); highest among the groups gnomAD compares: Non-Finnish European, 0.000085%; no homozygotes.

Submissions (3):

St. Jude Molecular Pathology, St. Jude Children's Research Hospital
Classification: Uncertain significance for Neuroblastoma, susceptibility to, 1. Last evaluated: 2025-06-17. Review status: criteria provided, single submitter. Criteria: St. Jude Assertion Criteria 2020. Collection method: clinical testing. Allele origin: germline.
Comment: The KIF1B c.5184C>G p.(His1728Gln) missense change is absent in gnomAD v2.1.1. The in silico tool REVEL predicts a benign effect on protein function, but to our knowledge this prediction has not been confirmed by functional studies. To our knowledge, this variant has not been reported in individuals with pheochromocytoma or neuroblastoma. In summary, the evidence currently available is insufficient to determine the clinical significance of this variant. It has therefore been classified as of uncertain significance.

Labcorp Genetics (formerly Invitae), Labcorp
Classification: Uncertain significance for Charcot-Marie-Tooth disease type 2. Last evaluated: 2025-03-19. Review status: criteria provided, single submitter. Criteria: Invitae Variant Classification Sherloc (09022015). Collection method: clinical testing. Allele origin: germline.
Comment: This sequence change replaces histidine, which is basic and polar, with glutamine, which is neutral and polar, at codon 1728 of the KIF1B protein (p.His1728Gln). This variant is not present in population databases (gnomAD no frequency). This variant has not been reported in the literature in individuals affected with KIF1B-related conditions. ClinVar contains an entry for this variant (Variation ID: 959624). An algorithm developed to predict the effect of missense changes on protein structure and function (PolyPhen-2) suggests that this variant is likely to be tolerated. In summary, the available evidence is currently insufficient to determine the role of this variant in disease. Therefore, it has been classified as a Variant of Uncertain Significance.

Ambry Genetics
Classification: Uncertain significance. Last evaluated: 2023-11-27. Review status: criteria provided, single submitter. Criteria: Ambry Variant Classification Scheme 2023. Collection method: clinical testing. Allele origin: germline.
Comment: The p.H1728Q variant (also known as c.5184C>G), located in coding exon 45 of the KIF1B gene, results from a C to G substitution at nucleotide position 5184. The histidine at codon 1728 is replaced by glutamine, an amino acid with highly similar properties. This amino acid position is highly conserved in available vertebrate species. In addition, this alteration is predicted to be tolerated by in silico analysis. Since supporting evidence is limited at this time, the clinical significance of this alteration remains unclear.